The following is an entry in ClinVar:

NM_001903.5(CTNNA1):c.702C>T (p.Val234=)

Gene: CTNNA1 (catenin alpha 1; plus strand). Cytogenetic location: 5q31.2.
Variant type: single nucleotide variant.
Coding change: c.702C>T on transcript NM_001903.5 (MANE Select); coding-DNA position 702, C replaced by T.
Protein change: p.Val234=; no amino-acid change (valine 234 retained).
Molecular consequence: synonymous variant.
Genome position (GRCh38, 1-based): chr5:138,824,643, C>T. VCF-style: chr5-138824643-C-T. GRCh37 (hg19) VCF-style: chr5-138160332-C-T.
Other names: c.702C>T, p.Val234= (NM_001290307.3, NM_001323982.2, NM_001323983.1 and 3 more transcripts); c.393C>T, p.Val131= (NM_001290309.3); c.333C>T, p.Val111= (NM_001290310.3).
Identifiers: ClinVar variation 696882 (VCV000696882.14), dbSNP rs745876119, ClinGen allele CA3431532.

ClinVar aggregate classification (germline): Benign/Likely benign. Review status: criteria provided, multiple submitters, no conflicts (2 of 4 stars). 3 submissions from 3 submitters: Benign (1); Likely benign (2). Last evaluated 2025-11-24.

Conditions:
Hereditary diffuse gastric adenocarcinoma (HDGC). Also called: DIFFUSE GASTRIC AND LOBULAR BREAST CANCER SYNDROME. Identifiers: Orphanet 26106, MedGen C1708349, MONDO:0007648, OMIM 137215.
Hereditary cancer-predisposing syndrome. Also called: Tumor predisposition; Hereditary neoplastic syndrome; Hereditary Cancer Syndrome; Neoplastic Syndromes, Hereditary. Identifiers: Orphanet 140162, MedGen C0027672, MeSH D009386, MONDO:0015356.

Allele frequency attached by ClinVar (database versions not stated): gnomAD exomes 0.00001 and 0.00002; TOPMed 0.00001; gnomAD 0.00003; ExAC 0.00004.
gnomAD v4.1: 12 of 1,614,084 alleles (0.00074%); highest among the groups gnomAD compares: Non-Finnish European, 0.00093%; no homozygotes.

Submissions (3):

Labcorp Genetics (formerly Invitae), Labcorp
Classification: Likely benign. Last evaluated: 2025-11-24. Review status: criteria provided, single submitter. Criteria: Invitae Variant Classification Sherloc (09022015). Collection method: clinical testing. Allele origin: germline.

Myriad Genetics, Inc.
Classification: Benign for Hereditary diffuse gastric adenocarcinoma. Last evaluated: 2024-10-10. Review status: criteria provided, single submitter. Criteria: Myriad Autosomal Dominant, Autosomal Recessive and X-Linked Classification Criteria (2023). Collection method: clinical testing. Allele origin: unknown.
Comment: This variant is considered benign. This variant is a silent/synonymous amino acid change and it is not expected to impact splicing.

Ambry Genetics
Classification: Likely benign for Hereditary cancer-predisposing syndrome. Last evaluated: 2022-03-16. Review status: criteria provided, single submitter. Criteria: Ambry Variant Classification Scheme 2023. Collection method: clinical testing. Allele origin: germline.